The following is an entry in ClinVar:

ClinVar aggregate classification (germline): Uncertain significance (1 of 4 stars; one submission).

Conditions:
Kleefstra syndrome 1 (KLEFS1). Identifiers: Orphanet 261494, MedGen C0795833, MONDO:0027407, OMIM 610253.

Submission:

Labcorp Genetics (formerly Invitae), Labcorp
Classification: Uncertain significance for Kleefstra syndrome 1. Last evaluated: 2024-02-29. Review status: criteria provided, single submitter. Criteria: Invitae Variant Classification Sherloc (09022015). Collection method: clinical testing. Allele origin: germline.
Comment: This sequence change replaces asparagine, which is neutral and polar, with histidine, which is basic and polar, at codon 86 of the EHMT1 protein (p.Asn86His). This variant is not present in population databases (gnomAD no frequency). This variant has not been reported in the literature in individuals affected with EHMT1-related conditions. ClinVar contains an entry for this variant (Variation ID: 2195603). Algorithms developed to predict the effect of missense changes on protein structure and function output the following: SIFT: "Not Available"; PolyPhen-2: "Benign"; Align-GVGD: "Not Available". The histidine amino acid residue is found in multiple mammalian species, which suggests that this missense change does not adversely affect protein function. In summary, the available evidence is currently insufficient to determine the role of this variant in disease. Therefore, it has been classified as a Variant of Uncertain Significance.

NM_024757.5(EHMT1):c.256A>C (p.Asn86His)

Gene: EHMT1 (euchromatic histone lysine methyltransferase 1; plus strand). Cytogenetic location: 9q34.3.
Variant type: single nucleotide variant.
Coding change: c.256A>C on transcript NM_024757.5 (MANE Select); coding-DNA position 256, A replaced by C.
Protein change: p.Asn86His; replaces asparagine 86 with histidine.
Molecular consequence: missense variant.
Genome position (GRCh38, 1-based): chr9:137,716,796, A>C. VCF-style: chr9-137716796-A-C. GRCh37 (hg19) VCF-style: chr9-140611248-A-C.
Other names: c.256A>C, p.Asn86His (NM_001145527.2, NM_001354263.2, NM_001354611.2); c.163A>C, p.Asn55His (NM_001354259.2, NM_001354612.2); short protein forms N86H, N55H.
Identifiers: ClinVar variation 2195603 (VCV002195603.4), dbSNP rs2541031044, ClinGen allele CA375763714.
Genomic context (GRCh38, chr9:137,716,796, plus strand): 5'-CATGCAAATGCTGCAAAGCACACTCAGGACAGCGCAAGGGTCAACCCCCAGGATGGCACC[A>C]ACACACTAACTCGGATAGCGGAAAATGGGGTTTCAGAAAGAGACTCAGAAGCGGCGAAGC-3'
Protein context (NP_079033.4, residues 76-96): SARVNPQDGT[Asn86His]TLTRIAENGV